The following is an entry in ClinVar:

NM_000059.4(BRCA2):c.7410C>G (p.Phe2470Leu)

Gene: BRCA2 (BRCA2 DNA repair associated; plus strand). Cytogenetic location: 13q13.1.
Variant type: single nucleotide variant.
Coding change: c.7410C>G on transcript NM_000059.4 (MANE Select); coding-DNA position 7410, C replaced by G.
Protein change: p.Phe2470Leu; replaces phenylalanine 2470 with leucine.
Molecular consequence: missense variant.
Genome position (GRCh38, 1-based): chr13:32,355,263, C>G. VCF-style: chr13-32355263-C-G. GRCh37 (hg19) VCF-style: chr13-32929400-C-G.
Other names: short protein forms F2470L.
Identifiers: ClinVar variation 232868 (VCV000232868.13), dbSNP rs876660036, ClinGen allele CA10579736.

ClinVar aggregate classification (germline): Uncertain significance. Review status: criteria provided, multiple submitters, no conflicts (2 of 4 stars). 2 submissions from 2 submitters: Uncertain significance (2). Last evaluated 2024-04-30.

Conditions:
Hereditary breast ovarian cancer syndrome. Also called: Hereditary breast and ovarian cancer syndrome; BRCA1- and BRCA2-Associated Hereditary Breast and Ovarian Cancer; Breast and ovarian cancer; Hereditary breast and/or ovarian cancer syndrome; Hereditary breast and ovarian cancer; Hereditary breast and ovarian cancer syndrome (HBOC). Identifiers: Orphanet 145, MedGen C0677776, MeSH D061325, MONDO:0003582. Disease mechanism: loss of function.
Hereditary cancer-predisposing syndrome. Also called: Neoplastic Syndromes, Hereditary; Tumor predisposition; Hereditary Cancer Syndrome; Hereditary neoplastic syndrome. Identifiers: Orphanet 140162, MedGen C0027672, MeSH D009386, MONDO:0015356.

Submissions (2):

Labcorp Genetics (formerly Invitae), Labcorp
Classification: Uncertain significance for Hereditary breast ovarian cancer syndrome. Last evaluated: 2024-04-30. Review status: criteria provided, single submitter. Criteria: Invitae Variant Classification Sherloc (09022015). Collection method: clinical testing. Allele origin: germline.
Comment: This sequence change replaces phenylalanine, which is neutral and non-polar, with leucine, which is neutral and non-polar, at codon 2470 of the BRCA2 protein (p.Phe2470Leu). This variant is not present in population databases (gnomAD no frequency). This variant has not been reported in the literature in individuals affected with BRCA2-related conditions. ClinVar contains an entry for this variant (Variation ID: 232868). Advanced modeling of protein sequence and biophysical properties (such as structural, functional, and spatial information, amino acid conservation, physicochemical variation, residue mobility, and thermodynamic stability) performed at Invitae indicates that this missense variant is not expected to disrupt BRCA2 protein function with a negative predictive value of 95%. In summary, the available evidence is currently insufficient to determine the role of this variant in disease. Therefore, it has been classified as a Variant of Uncertain Significance.

Ambry Genetics
Classification: Uncertain significance for Hereditary cancer-predisposing syndrome. Last evaluated: 2015-07-14. Review status: criteria provided, single submitter. Criteria: Ambry Variant Classification Scheme 2023. Collection method: clinical testing. Allele origin: germline.
Comment: The p.F2470L variant (also known as c.7410C>G and 7638C>G ), located in coding exon 13 of the BRCA2 gene, results from a C to G substitution at nucleotide position 7410. The phenylalanine at codon 2470 is replaced by leucine, an amino acid with highly similar properties. This variant was not reported in population based cohorts in the following databases: Database of Single Nucleotide Polymorphisms (dbSNP), NHLBI Exome Sequencing Project (ESP), and 1000 Genomes Project. In the ESP, this variant was not observed in 6500 samples (13000 alleles) with coverage at this position. To date, this alteration has been detected with an allele frequency of approximately 0.001% (greater than 150000 alleles tested) in our clinical cohort. This amino acid position is not well conserved in available vertebrate species. In addition, this alteration is predicted to be tolerated by in silico analysis. Since supporting evidence is limited at this time, the clinical significance of p.F2470L remains unclear.